The following is an entry in ClinVar:

NM_025179.4(PLXNA2):c.313G>A (p.Glu105Lys)

Gene: PLXNA2 (plexin A2; minus strand). Cytogenetic location: 1q32.2.
Variant type: single nucleotide variant.
Coding change: c.313G>A on transcript NM_025179.4 (MANE Select); coding-DNA position 313, G replaced by A.
Protein change: p.Glu105Lys; replaces glutamic acid 105 with lysine.
Molecular consequence: missense variant.
Genome position (GRCh38, 1-based): chr1:208,217,610, C>T on the plus strand (G>A on the coding strand, the complement: PLXNA2 is on the minus strand). VCF-style: chr1-208217610-C-T. GRCh37 (hg19) VCF-style: chr1-208390955-C-T.
Other names: c.313G>A (NM_025179.3); short protein forms E105K.
Identifiers: ClinVar variation 2042795 (VCV002042795.8), dbSNP rs147064862, ClinGen allele CA1374089.
Genomic context (GRCh38, chr1:208,217,610, plus strand): 5'-GGTTCTCAGAGTAGTCAATGATGAGCAGCTTGTTGACATTGTTGGTGAGGGTGAGCACTT[C>T]GCTGCAGGGCTGCACGATGAGGGGCGGGTAACAAGACTTGTTGTCCTCTTCTGGCCCTGT-3'
Protein context (NP_079455.3, residues 95-115): YPPLIVQPCS[Glu105Lys]VLTLTNNVNK

ClinVar aggregate classification (germline): Uncertain significance. Review status: criteria provided, multiple submitters, no conflicts (2 of 4 stars). 3 submissions from 3 submitters: Uncertain significance (3). Last evaluated 2026-03-21.

Conditions:
PLXNA2-related disorder. Also called: PLXNA2-related condition.

Allele frequency attached by ClinVar (database versions not stated): ExAC 0.00005; ESP Exome Variant Server 0.00008; gnomAD 0.00009; TOPMed 0.00013.
gnomAD v4.1: 104 of 1,614,084 alleles (0.0064%); highest among the groups gnomAD compares: African/African-American, 0.024%; no homozygotes.

Submissions (3):

PreventionGenetics, part of Exact Sciences
Classification: Uncertain significance for PLXNA2-related condition. Last evaluated: 2026-03-21. Review status: criteria provided, single submitter. Criteria: ACMG Guidelines, 2015. Collection method: clinical testing. Allele origin: germline.
Comment: The PLXNA2 c.313G>A variant is predicted to result in the amino acid substitution p.Glu105Lys. To our knowledge, this variant has not been reported in the literature. This variant is reported in 0.020% of alleles in individuals of African descent in gnomAD. At this time, the clinical significance of this variant is uncertain due to the absence of conclusive functional and genetic evidence.

Labcorp Genetics (formerly Invitae), Labcorp
Classification: Uncertain significance. Last evaluated: 2025-07-23. Review status: criteria provided, single submitter. Criteria: Invitae Variant Classification Sherloc (09022015). Collection method: clinical testing. Allele origin: germline.
Comment: This sequence change replaces glutamic acid, which is acidic and polar, with lysine, which is basic and polar, at codon 105 of the PLXNA2 protein (p.Glu105Lys). This variant is present in population databases (rs147064862, gnomAD 0.02%). This variant has not been reported in the literature in individuals affected with PLXNA2-related conditions. ClinVar contains an entry for this variant (Variation ID: 2042795). Invitae Evidence Modeling of protein sequence and biophysical properties (such as structural, functional, and spatial information, amino acid conservation, physicochemical variation, residue mobility, and thermodynamic stability) indicates that this missense variant is not expected to disrupt PLXNA2 protein function with a negative predictive value of 80%. In summary, the available evidence is currently insufficient to determine the role of this variant in disease. Therefore, it has been classified as a Variant of Uncertain Significance.

Ambry Genetics
Classification: Uncertain significance. Last evaluated: 2025-01-24. Review status: criteria provided, single submitter. Criteria: Ambry Variant Classification Scheme 2023. Collection method: clinical testing. Allele origin: germline.